The following is an entry in ClinVar:

ClinVar aggregate classification (germline): Uncertain significance (1 of 4 stars; one submission).

Conditions:
Aortic valve disease 2 (AOVD2). Identifiers: MedGen C3542024, MONDO:0013902, OMIM 614823.

Allele frequency attached by ClinVar (database versions not stated): TOPMed below 0.00001; gnomAD exomes below 0.00001.
gnomAD v4.1: 2 of 1,614,024 alleles (0.00012%); highest among the groups gnomAD compares: Admixed American, 0.0017%; no homozygotes.

Submission:

Labcorp Genetics (formerly Invitae), Labcorp
Classification: Uncertain significance for Aortic valve disease 2. Last evaluated: 2023-06-04. Review status: criteria provided, single submitter. Criteria: Invitae Variant Classification Sherloc (09022015). Collection method: clinical testing. Allele origin: germline.
Comment: This sequence change falls in intron 7 of the TBX5 gene. It does not directly change the encoded amino acid sequence of the TBX5 protein. It affects a nucleotide within the consensus splice site. This variant is not present in population databases (gnomAD no frequency). This variant has not been reported in the literature in individuals affected with TBX5-related conditions. ClinVar contains an entry for this variant (Variation ID: 2071612). Variants that disrupt the consensus splice site are a relatively common cause of aberrant splicing (PMID: 17576681, 9536098). Algorithms developed to predict the effect of sequence changes on RNA splicing suggest that this variant is not likely to affect RNA splicing. In summary, the available evidence is currently insufficient to determine the role of this variant in disease. Therefore, it has been classified as a Variant of Uncertain Significance.

Literature cited by the submitters: PubMed 17576681; PubMed 9536098.

NM_181486.4(TBX5):c.755+4G>A

Gene: TBX5 (T-box transcription factor 5; minus strand). Cytogenetic location: 12q24.21.
Variant type: single nucleotide variant.
Coding change: c.755+4G>A on transcript NM_181486.4 (MANE Select); 4 bases into the intron after coding-DNA position 755, G replaced by A.
Molecular consequence: intron variant.
Genome position (GRCh38, 1-based): chr12:114,385,472, C>T on the plus strand (G>A on the coding strand, the complement: TBX5 is on the minus strand). VCF-style: chr12-114385472-C-T. GRCh37 (hg19) VCF-style: chr12-114823277-C-T.
Other names: c.605+4G>A (NM_080717.4); c.755+4G>A (NM_000192.3).
Identifiers: ClinVar variation 2071612 (VCV002071612.4), dbSNP rs992698112, ClinGen allele CA244121993.
Genomic context (GRCh38, chr12:114,385,472, plus strand): 5'-TGGCTTACCTGGGTAATTTGAGGGGTATGTGGGGAGGAGAAAGTTGAGGAATCCACTTTC[C>T]TACCTTTGCATTCTTGACATTCTGTGCAGCTCCATGTCATCACTGCCCCGAAATCCTTTG-3'